The following is an entry in ClinVar:

ClinVar aggregate classification (germline): Uncertain significance. Review status: criteria provided, multiple submitters, no conflicts (2 of 4 stars). 3 submissions from 3 submitters: Uncertain significance (3). Last evaluated 2025-09-14.

Conditions:
Inborn genetic diseases. Identifiers: MedGen C0950123, MeSH D030342.
Familial focal epilepsy with variable foci (FPEVF). Identifiers: Orphanet 98820, MedGen C1858477, MONDO:0020310.

Allele frequency attached by ClinVar (database versions not stated): gnomAD 0.00003; gnomAD exomes 0.00003; TOPMed 0.00003; ExAC 0.00004; 1000 Genomes Project 0.00020; 1000 Genomes Project 30x 0.00031.
gnomAD v4.1: 14 of 1,613,762 alleles (0.00087%); highest among the groups gnomAD compares: African/African-American, 0.0093%; 1 homozygote.

Submissions (3):

Labcorp Genetics (formerly Invitae), Labcorp
Classification: Uncertain significance for Familial focal epilepsy with variable foci. Last evaluated: 2025-09-14. Review status: criteria provided, single submitter. Criteria: Invitae Variant Classification Sherloc (09022015). Collection method: clinical testing. Allele origin: germline.
Comment: This sequence change replaces arginine, which is basic and polar, with cysteine, which is neutral and slightly polar, at codon 1291 of the DEPDC5 protein (p.Arg1291Cys). This variant is present in population databases (rs202227830, gnomAD 0.01%). This variant has not been reported in the literature in individuals affected with DEPDC5-related conditions. ClinVar contains an entry for this variant (Variation ID: 588427). Experimental studies and prediction algorithms are not available or were not evaluated, and the functional significance of this variant is currently unknown. In summary, the available evidence is currently insufficient to determine the role of this variant in disease. Therefore, it has been classified as a Variant of Uncertain Significance.

GeneDx
Classification: Uncertain significance. Last evaluated: 2024-04-26. Review status: criteria provided, single submitter. Criteria: GeneDx Variant Classification Process June 2021. Collection method: clinical testing. Allele origin: germline. Affected: yes.
Comment: In silico analysis supports that this missense variant has a deleterious effect on protein structure/function; Has not been previously published as pathogenic or benign to our knowledge

Ambry Genetics
Classification: Uncertain significance for Inborn genetic diseases. Last evaluated: 2016-11-11. Review status: criteria provided, single submitter. Criteria: Ambry Variant Classification Scheme 2023. Collection method: clinical testing. Allele origin: germline.
Comment: The p.R1291C variant (also known as c.3871C>T), located in coding exon 37 of the DEPDC5 gene, results from a C to T substitution at nucleotide position 3871. The arginine at codon 1291 is replaced by cysteine, an amino acid with highly dissimilar properties. This variant was previously reported in the SNPDatabase as rs202227830. Based on data from the 1000 Genomes Project, the T allele has an overall frequency of approximately 0.05% (1/2098) total alleles studied. The highest observed frequency was 0.57% (1/176) Yoruba alleles. This amino acid position is well conserved in available vertebrate species. In addition, the in silico prediction for this alteration is inconclusive. Since supporting evidence is limited at this time, the clinical significance of this variant remains unclear.

NM_001242896.3(DEPDC5):c.3871C>T (p.Arg1291Cys)

Gene: DEPDC5 (DEP domain containing 5, GATOR1 subcomplex subunit; plus strand). Cytogenetic location: 22q12.3.
Variant type: single nucleotide variant.
Coding change: c.3871C>T on transcript NM_001242896.3 (MANE Select); coding-DNA position 3871, C replaced by T.
Protein change: p.Arg1291Cys; replaces arginine 1291 with cysteine.
Molecular consequence: missense variant. On other transcripts: non-coding transcript variant (5).
Genome position (GRCh38, 1-based): chr22:31,879,590, C>T. VCF-style: chr22-31879590-C-T. GRCh37 (hg19) VCF-style: chr22-32275576-C-T.
Other names: c.3844C>T, p.Arg1282Cys (NM_001136029.4); c.3571C>T, p.Arg1191Cys (NM_001242897.2); c.3805C>T, p.Arg1269Cys (NM_001363852.2, NM_001364320.2); c.3637C>T, p.Arg1213Cys (NM_001363854.2, NM_001364319.2); c.3871C>T, p.Arg1291Cys (NM_001364318.2); c.3787C>T, p.Arg1263Cys (NM_001369901.1, NM_001369902.1); c.3778C>T, p.Arg1260Cys (NM_001369903.1, NM_014662.6); short protein forms R1191C, R1291C, R1269C, R1282C, R1260C, R1263C, R1213C.
Identifiers: ClinVar variation 588427 (VCV000588427.16), dbSNP rs202227830, ClinGen allele CA10197135.
Genomic context (GRCh38, chr22:31,879,590, plus strand): 5'-ATGCAGCAGCCCGCCACCACCTGGCACACAGCAGGAGTGGACGACTTCGCCAGCTTCCAG[C>T]GCAAGTGGTTTGAGGTGGCCTTTGTGGCAGAAGAGCTCGTGCACTCTGAGATTCCTGCCT-3'
Protein context (NP_001229825.1, residues 1281-1301): AGVDDFASFQ[Arg1291Cys]KWFEVAFVAE